The following is an entry in ClinVar:

NM_001378454.1(ALMS1):c.9708G>A (p.Lys3236=)

Gene: ALMS1 (ALMS1 centrosome and basal body associated protein; plus strand). Cytogenetic location: 2p13.1.
Variant type: single nucleotide variant.
Coding change: c.9708G>A on transcript NM_001378454.1 (MANE Select); coding-DNA position 9708, G replaced by A.
Protein change: p.Lys3236=; no amino-acid change (lysine 3236 retained).
Molecular consequence: synonymous variant.
Genome position (GRCh38, 1-based): chr2:73,519,943, G>A. VCF-style: chr2-73519943-G-A. GRCh37 (hg19) VCF-style: chr2-73747070-G-A.
Other names: c.9711G>A, p.Lys3237= (NM_015120.4); c.9705G>A (NM_015120.4).
Identifiers: ClinVar variation 667070 (VCV000667070.17), dbSNP rs574095166, ClinGen allele CA50397962.

ClinVar aggregate classification (germline): Likely benign. Review status: criteria provided, multiple submitters, no conflicts (2 of 4 stars). 6 submissions from 6 submitters: Likely benign (5). 1 of the submissions does not count toward it. Last evaluated 2026-01-14.

Conditions:
Alstrom syndrome (ALMS). Identifiers: Orphanet 64, MedGen C0268425, MONDO:0008763, OMIM 203800.
Cardiovascular phenotype. Identifiers: MedGen CN230736.

Allele frequency attached by ClinVar (database versions not stated): gnomAD exomes below 0.00001 and 0.00001; gnomAD 0.00002 and 0.00003; TOPMed 0.00002; 1000 Genomes Project 30x 0.00016; 1000 Genomes Project 0.00020.
gnomAD v4.1: 11 of 1,614,078 alleles (0.00068%); highest among the groups gnomAD compares: African/African-American, 0.0067%; no homozygotes.

Submissions (6):

Labcorp Genetics (formerly Invitae), Labcorp
Classification: Likely benign for Alstrom syndrome. Last evaluated: 2026-01-14. Review status: criteria provided, single submitter. Criteria: Invitae Variant Classification Sherloc (09022015). Collection method: clinical testing. Allele origin: germline.

Blueprint Genetics
Classification: Likely benign. Last evaluated: 2023-03-31. Review status: criteria provided, single submitter. Criteria: ACMG Guidelines, 2015. Collection method: clinical testing. Allele origin: germline.

Ambry Genetics
Classification: Likely benign for Cardiovascular phenotype. Last evaluated: 2021-09-30. Review status: criteria provided, single submitter. Criteria: Ambry Variant Classification Scheme 2023. Collection method: clinical testing. Allele origin: germline.

Women's Health and Genetics/Laboratory Corporation of America, LabCorp
Classification: Likely benign. Last evaluated: 2021-01-14. Review status: criteria provided, single submitter. Criteria: LabCorp Variant Classification Summary - May 2015. Collection method: clinical testing. Allele origin: germline.

Laboratory for Molecular Medicine, Mass General Brigham Personalized Medicine
Classification: Likely benign. Last evaluated: 2017-08-23. Review status: criteria provided, single submitter. Criteria: LMM Criteria. Collection method: clinical testing. Allele origin: germline. Observed: 1 variant allele.
Comment: p.Lys3235Lys in exon 11 of ALMS1: This variant is not expected to have clinical significance because it does not alter an amino acid residue and is not located within the splice consensus sequence. It has been identified in 1/1322 African c hromosomes by the 1000 Genomes Project (Phase 3; dbSNP rs574095166).

Natera, Inc.
Classification: Likely benign for Alstrom syndrome. Last evaluated: 2021-09-28. Review status: no assertion criteria provided. Collection method: clinical testing. Allele origin: germline. Not counted in ClinVar's aggregate classification.